The following is an entry in ClinVar:

NM_016239.4(MYO15A):c.10242C>T (p.Phe3414=)

Gene: MYO15A (myosin XVA; plus strand). Cytogenetic location: 17p11.2.
Variant type: single nucleotide variant.
Coding change: c.10242C>T on transcript NM_016239.4 (MANE Select); coding-DNA position 10242, C replaced by T.
Protein change: p.Phe3414=; no amino-acid change (phenylalanine 3414 retained).
Molecular consequence: synonymous variant.
Genome position (GRCh38, 1-based): chr17:18,172,182, C>T. VCF-style: chr17-18172182-C-T. GRCh37 (hg19) VCF-style: chr17-18075496-C-T.
Other names: p.Phe3414=.
Identifiers: ClinVar variation 178452 (VCV000178452.49), dbSNP rs188485743, ClinGen allele CA182359.

ClinVar aggregate classification (germline): Conflicting classifications of pathogenicity. Review status: criteria provided, conflicting classifications (1 of 4 stars). 9 submissions from 9 submitters: Uncertain significance (1); Benign (6); Likely benign (2). Last evaluated 2026-06-01.

Conditions:
Autosomal recessive nonsyndromic hearing loss 3. Also called: NEUROSENSORY NONSYNDROMIC RECESSIVE DEAFNESS 3. Identifiers: Orphanet 90636, MedGen C1838263, MONDO:0010860, OMIM 600316.

Allele frequency attached by ClinVar (database versions not stated): 1000 Genomes Project 0.00100; 1000 Genomes Project 30x 0.00109; gnomAD 0.00264; ESP Exome Variant Server 0.00292; TOPMed 0.00318.
gnomAD v4.1: 7,490 of 1,614,192 alleles (0.46%); highest among the groups gnomAD compares: Non-Finnish European, 0.58%; 27 homozygotes.

Submissions (9):

CeGaT Center for Human Genetics Tuebingen
Classification: Likely benign. Last evaluated: 2026-06-01. Review status: criteria provided, single submitter. Criteria: CeGaT Center For Human Genetics Tuebingen Variant Classification Criteria Version 2. Collection method: clinical testing. Allele origin: germline. Affected: yes. Observed: 11 variant alleles.
Comment: MYO15A: BS2

Labcorp Genetics (formerly Invitae), Labcorp
Classification: Benign. Last evaluated: 2026-02-04. Review status: criteria provided, single submitter. Criteria: Invitae Variant Classification Sherloc (09022015). Collection method: clinical testing. Allele origin: germline.

Blueprint Genetics
Classification: Likely benign. Last evaluated: 2024-11-26. Review status: criteria provided, single submitter. Criteria: ACMG Guidelines, 2015. Collection method: clinical testing. Allele origin: germline.

Mayo Clinic Laboratories, Mayo Clinic
Classification: Benign. Last evaluated: 2022-09-08. Review status: criteria provided, single submitter. Criteria: ACMG Guidelines, 2015. Collection method: clinical testing. Allele origin: germline. Observed: 2 variant alleles.
Comment: BS1, BS2, BP4, BP7

Athena Diagnostics
Classification: Benign. Last evaluated: 2019-07-01. Review status: criteria provided, single submitter. Criteria: Athena Diagnostics Criteria. Collection method: clinical testing. Allele origin: germline.

GeneDx
Classification: Benign. Last evaluated: 2018-08-02. Review status: criteria provided, single submitter. Criteria: GeneDx Variant Classification Process June 2021. Collection method: clinical testing. Allele origin: germline. Affected: yes.
Comment: This variant is associated with the following publications: (PMID: 24498627)

Eurofins Ntd Llc (ga)
Classification: Benign. Last evaluated: 2017-05-01. Review status: criteria provided, single submitter. Criteria: EGL Classification Definitions 2015. Collection method: clinical testing. Allele origin: germline. Observed: 1 variant allele, 1 heterozygote.

Illumina Laboratory Services, Illumina
Classification: Uncertain significance for Autosomal recessive nonsyndromic hearing loss 3. Last evaluated: 2017-04-27. Review status: criteria provided, single submitter. Criteria: ICSL Variant Classification Criteria 13 December 2019. Collection method: clinical testing. Allele origin: germline.
Comment: This variant was observed as part of a predisposition screen in an ostensibly healthy population. A literature search was performed for the gene, cDNA change, and amino acid change (where applicable). Publications were found based on this search. However, the evidence from the literature, in combination with allele frequency data from public databases where available, was not sufficient to rule this variant in or out of causing disease. Therefore, this variant is classified as a variant of unknown significance.

Laboratory for Molecular Medicine, Mass General Brigham Personalized Medicine
Classification: Benign. Last evaluated: 2012-04-30. Review status: criteria provided, single submitter. Criteria: LMM Criteria. Collection method: clinical testing. Allele origin: germline. Observed: 14 variant alleles.
Comment: Phe3414Phe in Exon 64 of MYO15A: This variant is not expected to have clinical s ignificance because it does not alter an amino acid residue, is not located with in the splice consensus sequence, and has been identified in 0.4% (27/6864) of E uropean American chromosomes from a broad population by the NHLBI Exome Sequenci ng Project.

Literature cited by the submitters: PubMed 24498627 (cited by 3 submitters); PubMed 27436265 (cited by Athena Diagnostics).